The following is an entry in ClinVar:

NM_001267550.2(TTN):c.98917A>G (p.Ile32973Val)

Genes: TTN (titin; minus strand), TTN-AS1 (TTN antisense RNA 1; plus strand). Cytogenetic location: 2q31.2.
Variant type: single nucleotide variant.
Coding change: c.98917A>G on transcript NM_001267550.2 (MANE Select); coding-DNA position 98917, A replaced by G.
Protein change: p.Ile32973Val; replaces isoleucine 32973 with valine.
Molecular consequence: missense variant. On other transcripts: non-coding transcript variant (1).
Genome position (GRCh38, 1-based): chr2:178,539,018, T>C on the plus strand (A>G on the coding strand, the complement: TTN is on the minus strand). VCF-style: chr2-178539018-T-C. GRCh37 (hg19) VCF-style: chr2-179403745-T-C.
Other names: c.93994A>G, p.Ile31332Val (NM_001256850.1); c.71722A>G, p.Ile23908Val (NM_003319.4); c.91213A>G, p.Ile30405Val (NM_133378.4); c.72097A>G, p.Ile24033Val (NM_133432.3); c.72298A>G, p.Ile24100Val (NM_133437.4); short protein forms I23908V, I24033V, I24100V, I30405V, I31332V, I32973V.
Identifiers: ClinVar variation 992761 (VCV000992761.2), dbSNP rs773080115, ClinGen allele CA1986290.

ClinVar aggregate classification (germline): Uncertain significance (1 of 4 stars; one submission).

Conditions:
Dilated cardiomyopathy 1G (CMD1G). Identifiers: Orphanet 154, MedGen C1858763, MONDO:0011400, OMIM 604145.
Hypertrophic cardiomyopathy 9. Also called: Familial hypertrophic cardiomyopathy 9. Identifiers: MedGen C1861065, MONDO:0013412, OMIM 613765.

Allele frequency attached by ClinVar (database versions not stated): gnomAD exomes below 0.00001; ExAC 0.00001; gnomAD 0.00001; TOPMed 0.00004.
gnomAD v4.1: 5 of 1,613,672 alleles (0.00031%); highest among the groups gnomAD compares: African/African-American, 0.0053%; no homozygotes.

Submission:

New York Genome Center
Classification: Uncertain significance for Dilated cardiomyopathy 1G; Hypertrophic cardiomyopathy 9. Last evaluated: 2019-05-30. Review status: criteria provided, single submitter. Criteria: NYGC Assertion Criteria 2020. Collection method: clinical testing. Allele origin: inherited. Observed: 1 heterozygote. Study: CSER-NYCKidSeq.
Comment: The inherited c.98917A>G (p.Ile32973Val) variant identified in this individual substitutes a moderately conserved Isoleucine for Valine at amino acid 32973/35992 (coding exon 353/363). This variant is found a single time in gnomAD (1 heterozygote, 0 homozygotes; allele frequency: 4.023e-6) and once in ExAC (1 heterozygote, 0 homozytoes; allele frequency: 8.294e-06). In silico algorithms predict this variant is Neutral (Provean; score: -0.37) and Tolerated (SIFT; socre 0.668) to the function of the canonical transcript. The variant is absent from ClinVar, and to our current knowledge has not been identified in affected individuals in the literature. Given the lack of compelling evidence for the pathogenicity of the inherited c.98917A>G (p.Ile32973Val) variant identified here, it is reported as a Variant of Uncertain Significance.